The following is an entry in ClinVar:

NM_000329.3(RPE65):c.209T>C (p.Phe70Ser)

Gene: RPE65 (retinoid isomerohydrolase RPE65; minus strand). Cytogenetic location: 1p31.3.
Variant type: single nucleotide variant.
Coding change: c.209T>C on transcript NM_000329.3 (MANE Select); coding-DNA position 209, T replaced by C.
Protein change: p.Phe70Ser; replaces phenylalanine 70 with serine.
Molecular consequence: missense variant.
Genome position (GRCh38, 1-based): chr1:68,446,746, A>G on the plus strand (T>C on the coding strand, the complement: RPE65 is on the minus strand). VCF-style: chr1-68446746-A-G. GRCh37 (hg19) VCF-style: chr1-68912429-A-G.
Other names: c.209T>C (NM_000329.2); short protein forms F70S.
Identifiers: ClinVar variation 987271 (VCV000987271.6), dbSNP rs1645945363, ClinGen allele CA340748969.

ClinVar aggregate classification (germline): Likely pathogenic. Review status: criteria provided, multiple submitters, no conflicts (2 of 4 stars). 3 submissions from 3 submitters: Likely pathogenic (3). Last evaluated 2025-03-07.

Conditions:
Retinitis pigmentosa 20 (RP20). Identifiers: Orphanet 791, MedGen C3151086, MONDO:0013425, OMIM 613794.
Leber congenital amaurosis 2 (LCA2). Also called: AMAUROSIS CONGENITA OF LEBER II; Autosomal Recessive RPE65-Related Retinal Degeneration. Identifiers: Orphanet 65, MedGen C1859844, MONDO:0008765, OMIM 204100. Disease mechanism: loss of function.
Leber congenital amaurosis (LCA). Also called: Leber's amaurosis. Identifiers: Orphanet 65, MedGen C0339527, MeSH D057130, MONDO:0018998.

Submissions (3):

Natera, Inc.
Classification: Likely pathogenic for Leber congenital amaurosis. Last evaluated: 2025-03-07. Review status: criteria provided, single submitter. Criteria: Natera Variant Classification Schema (03/2026). Collection method: clinical testing. Allele origin: germline.
Comment: The c.209T>C variant in RPE65 is a missense variant predicted to cause substitution of phenylalanine to serine at amino acid 70. This variant is rare in the general population with a frequency below the threshold expected for the associated phenotype(s). This variant has been observed in one or more individuals affected with the associated recessive disease, as either homozygous or compound heterozygous with a second variant (PMID: 37734845, 30268864). A different variant at the same position has been determined to be Pathogenic or Likely Pathogenic. Computational prediction algorithms indicate this variant is likely to affect gene or protein function. Given the available evidence, this variant is classified as Likely Pathogenic.

Labcorp Genetics (formerly Invitae), Labcorp
Classification: Likely pathogenic for Leber congenital amaurosis 2; Retinitis pigmentosa 20. Last evaluated: 2024-12-12. Review status: criteria provided, single submitter. Criteria: Invitae Variant Classification Sherloc (09022015). Collection method: clinical testing. Allele origin: germline.
Comment: This sequence change replaces phenylalanine, which is neutral and non-polar, with serine, which is neutral and polar, at codon 70 of the RPE65 protein (p.Phe70Ser). This variant is not present in population databases (gnomAD no frequency). This missense change has been observed in individual(s) with autosomal recessive RPE65-related conditions (PMID: 30268864, 37734845). In at least one individual the data is consistent with being in trans (on the opposite chromosome) from a pathogenic variant. ClinVar contains an entry for this variant (Variation ID: 987271). Invitae Evidence Modeling of protein sequence and biophysical properties (such as structural, functional, and spatial information, amino acid conservation, physicochemical variation, residue mobility, and thermodynamic stability) indicates that this missense variant is expected to disrupt RPE65 protein function with a positive predictive value of 80%. This variant disrupts the p.Phe70 amino acid residue in RPE65. Other variant(s) that disrupt this residue have been observed in individuals with RPE65-related conditions (PMID: 17724218), which suggests that this may be a clinically significant amino acid residue. In summary, the currently available evidence indicates that the variant is pathogenic, but additional data are needed to prove that conclusively. Therefore, this variant has been classified as Likely Pathogenic.

Institute of Medical Genetics and Applied Genomics, University Hospital Tübingen
Classification: Likely pathogenic. Last evaluated: 2020-10-23. Review status: criteria provided, single submitter. Criteria: ACMG Guidelines, 2015. Collection method: clinical testing. Allele origin: germline. Inheritance: Autosomal recessive inheritance. Affected: yes.

Literature cited by the submitters: PubMed 37734845 (cited by Natera, Inc. and Labcorp Genetics (formerly Invitae), Labcorp); PubMed 30268864 (cited by Natera, Inc. and Labcorp Genetics (formerly Invitae), Labcorp); PubMed 17724218 (cited by Labcorp Genetics (formerly Invitae), Labcorp).